The following is an entry in ClinVar:

NM_003024.3(ITSN1):c.2568-9dup

Gene: ITSN1 (intersectin 1; plus strand). Cytogenetic location: 21q22.11.
Variant type: Duplication.
Coding change: c.2568-9dup on transcript NM_003024.3 (MANE Select); 9 bases into the intron before coding-DNA position 2568, one base duplicated (T; older notation c.2568-9dupT).
Molecular consequence: intron variant.
Genome position (GRCh38, 1-based): chr21:33,813,904, T duplicated; the last of 4 consecutive T bases (chr21:33,813,901-33,813,904); duplicating any one gives the same sequence. VCF-style (leftmost placement, unchanged base first): chr21-33813900-C-CT. GRCh37 (hg19) VCF-style: chr21-35186204-C-CT.
Other names: c.2553-9dup (NM_001331010.2, NM_001331009.2, NM_001331011.2); c.2568-9dup (NM_001001132.2, NM_001331008.2); c.2442-9dup (NM_001331012.2).
Identifiers: ClinVar variation 3043556 (VCV003043556.2), dbSNP rs545694216, ClinGen allele CA10011869.
Genomic context (GRCh38, chr21:33,813,900, plus strand): 5'-TACTTTACTGTGGGTAAAAAGCTGGTATATTAGGGAGTGCTTGTTATTCATGGTGTTGTG[C>CT]TTTTCCCTCCAGGTGGCCCACCAGCACGAATGAGAAACCAGAAACGGATAACTGGGATGC-3'

ClinVar aggregate classification (germline): Likely benign (0 of 4 stars; one submission).

Conditions:
ITSN1-related disorder. Also called: ITSN1-related condition.

Submission:

PreventionGenetics, part of Exact Sciences
Classification: Likely benign for ITSN1-related condition. Last evaluated: 2020-01-15. Review status: no assertion criteria provided. Collection method: clinical testing. Allele origin: germline.
Comment: This variant is classified as likely benign based on ACMG/AMP sequence variant interpretation guidelines (Richards et al. 2015 PMID: 25741868, with internal and published modifications).